The following is an entry in ClinVar:

NM_012193.4(FZD4):c.47G>A (p.Gly16Asp)

Gene: FZD4 (frizzled class receptor 4; minus strand). Cytogenetic location: 11q14.2.
Variant type: single nucleotide variant.
Coding change: c.47G>A on transcript NM_012193.4 (MANE Select); coding-DNA position 47, G replaced by A.
Protein change: p.Gly16Asp; replaces glycine 16 with aspartic acid.
Molecular consequence: missense variant.
Genome position (GRCh38, 1-based): chr11:86,955,039, C>T on the plus strand (G>A on the coding strand, the complement: FZD4 is on the minus strand). VCF-style: chr11-86955039-C-T. GRCh37 (hg19) VCF-style: chr11-86666081-C-T.
Other names: c.47G>A (NM_012193.3); short protein forms G16D.
Identifiers: ClinVar variation 1053107 (VCV001053107.9), dbSNP rs113917021, ClinGen allele CA6218544.

ClinVar aggregate classification (germline): Conflicting classifications of pathogenicity. Review status: criteria provided, conflicting classifications (1 of 4 stars). 3 submissions from 3 submitters: Uncertain significance (1); Likely benign (2). Last evaluated 2026-01-21.

Allele frequency attached by ClinVar (database versions not stated): gnomAD exomes 0.00010; ExAC 0.00011; gnomAD 0.00023; 1000 Genomes Project 30x 0.00031; ESP Exome Variant Server 0.00031; 1000 Genomes Project 0.00040; TOPMed 0.00048.
gnomAD v4.1: 106 of 1,603,578 alleles (0.0066%); highest among the groups gnomAD compares: African/African-American, 0.076%; no homozygotes.

Submissions (3):

Labcorp Genetics (formerly Invitae), Labcorp
Classification: Likely benign. Last evaluated: 2026-01-21. Review status: criteria provided, single submitter. Criteria: Invitae Variant Classification Sherloc (09022015). Collection method: clinical testing. Allele origin: germline.

GeneDx
Classification: Uncertain significance. Last evaluated: 2025-02-11. Review status: criteria provided, single submitter. Criteria: GeneDx Variant Classification Process June 2021. Collection method: clinical testing. Allele origin: germline. Affected: yes.
Comment: In silico analysis indicates that this missense variant does not alter protein structure/function; Has not been previously published as pathogenic or benign to our knowledge

Blueprint Genetics
Classification: Likely benign. Last evaluated: 2024-03-12. Review status: criteria provided, single submitter. Criteria: ACMG Guidelines, 2015. Collection method: clinical testing. Allele origin: germline.